The following is an entry in ClinVar:

ClinVar aggregate classification (germline): Uncertain significance (1 of 4 stars; one submission).

Conditions:
Glycogen storage disease, type II (IOPD). Also called: Pompe Disease; CARDIOMEGALIA GLYCOGENICA DIFFUSA; GLYCOGENOSIS, GENERALIZED, CARDIAC FORM; GSD II; Glucosidase acid-1,4-alpha deficiency; Glycogen storage disease type 2. Identifiers: Orphanet 365, MedGen C0017921, MONDO:0009290, OMIM 232300.

Submission:

Labcorp Genetics (formerly Invitae), Labcorp
Classification: Uncertain significance for Glycogen storage disease, type II. Last evaluated: 2024-02-15. Review status: criteria provided, single submitter. Criteria: Invitae Variant Classification Sherloc (09022015). Collection method: clinical testing. Allele origin: germline.
Comment: This sequence change replaces serine, which is neutral and polar, with proline, which is neutral and non-polar, at codon 523 of the GAA protein (p.Ser523Pro). This variant is not present in population databases (gnomAD no frequency). This variant has not been reported in the literature in individuals affected with GAA-related conditions. Advanced modeling of protein sequence and biophysical properties (such as structural, functional, and spatial information, amino acid conservation, physicochemical variation, residue mobility, and thermodynamic stability) performed at Invitae indicates that this missense variant is expected to disrupt GAA protein function with a positive predictive value of 95%. In summary, the available evidence is currently insufficient to determine the role of this variant in disease. Therefore, it has been classified as a Variant of Uncertain Significance.

NM_000152.5(GAA):c.1567T>C (p.Ser523Pro)

Gene: GAA (alpha glucosidase; plus strand). Cytogenetic location: 17q25.3.
Variant type: single nucleotide variant.
Coding change: c.1567T>C on transcript NM_000152.5 (MANE Select); coding-DNA position 1567, T replaced by C.
Protein change: p.Ser523Pro; replaces serine 523 with proline.
Molecular consequence: missense variant.
Genome position (GRCh38, 1-based): chr17:80,110,956, T>C. VCF-style: chr17-80110956-T-C. GRCh37 (hg19) VCF-style: chr17-78084755-T-C.
Other names: c.1567T>C, p.Ser523Pro (NM_001079803.3, NM_001079804.3, NM_001406741.1 and 1 more transcripts); short protein forms S523P.
Identifiers: ClinVar variation 3693228 (VCV003693228.2).
Genomic context (GRCh38, chr17:80,110,956, plus strand): 5'-CCTCACTCTGGGCAGAGTCACCTACCAGCAGCGCTTCTCTTGCAGGACATGAACGAGCCT[T>C]CCAACTTCATCAGGGGCTCTGAGGACGGCTGCCCCAACAATGAGCTGGAGAACCCACCCT-3'
Protein context (NP_000143.2, residues 513-533): DGMWIDMNEP[Ser523Pro]NFIRGSEDGC